The following is an entry in ClinVar:

ClinVar aggregate classification (germline): Conflicting classifications of pathogenicity. Review status: criteria provided, conflicting classifications (1 of 4 stars). 9 submissions from 9 submitters: Uncertain significance (8); Likely benign (1). Last evaluated 2025-11-17.

Conditions:
Hereditary cancer-predisposing syndrome. Also called: Tumor predisposition; Neoplastic Syndromes, Hereditary; Hereditary Cancer Syndrome; Hereditary neoplastic syndrome. Identifiers: Orphanet 140162, MedGen C0027672, MeSH D009386, MONDO:0015356.
Fanconi anemia complementation group O. Also called: RAD51C-Related Fanconi Anemia. Identifiers: Orphanet 84, MedGen C3150653, MONDO:0013248, OMIM 613390.
Breast-ovarian cancer, familial, susceptibility to, 3. Also called: RAD51C-Related Breast/Ovarian Cancer. Identifiers: Orphanet 145, MedGen C3150659, MONDO:0013253, OMIM 613399.

gnomAD v4.1: 5 of 1,611,138 alleles (0.00031%); highest among the groups gnomAD compares: Non-Finnish European, 0.000085%; no homozygotes.

Submissions (9):

Color Diagnostics, LLC DBA Color Health
Classification: Uncertain significance for Hereditary cancer-predisposing syndrome. Last evaluated: 2025-11-17. Review status: criteria provided, single submitter. Criteria: ACMG Guidelines, 2015. Collection method: clinical testing. Allele origin: germline.
Comment: This missense variant replaces lysine with asparagine at codon 320 of the RAD51C protein. Computational prediction suggests that this variant may not impact protein structure and function. To our knowledge, functional studies have not been reported for this variant. This variant has not been reported in individuals affected with hereditary cancer in the literature. This variant has not been identified in the general population by the Genome Aggregation Database (gnomAD). The available evidence is insufficient to determine the role of this variant in disease conclusively. Therefore, this variant is classified as a Variant of Uncertain Significance.

Labcorp Genetics (formerly Invitae), Labcorp
Classification: Uncertain significance for Fanconi anemia complementation group O. Last evaluated: 2025-10-01. Review status: criteria provided, single submitter. Criteria: Invitae Variant Classification Sherloc (09022015). Collection method: clinical testing. Allele origin: germline.
Comment: This sequence change replaces lysine, which is basic and polar, with asparagine, which is neutral and polar, at codon 320 of the RAD51C protein (p.Lys320Asn). This variant is not present in population databases (gnomAD no frequency). This variant has not been reported in the literature in individuals affected with RAD51C-related conditions. ClinVar contains an entry for this variant (Variation ID: 220140). Invitae Evidence Modeling of protein sequence and biophysical properties (such as structural, functional, and spatial information, amino acid conservation, physicochemical variation, residue mobility, and thermodynamic stability) indicates that this missense variant is not expected to disrupt RAD51C protein function with a negative predictive value of 80%. In summary, the available evidence is currently insufficient to determine the role of this variant in disease. Therefore, it has been classified as a Variant of Uncertain Significance.

GeneDx
Classification: Uncertain significance. Last evaluated: 2024-08-27. Review status: criteria provided, single submitter. Criteria: GeneDx Variant Classification Process June 2021. Collection method: clinical testing. Allele origin: germline. Affected: yes.
Comment: Not observed at significant frequency in large population cohorts (gnomAD); In silico analysis indicates that this missense variant does not alter protein structure/function; Has not been previously published as pathogenic or benign to our knowledge; This variant is associated with the following publications: (PMID: 14704354)

Ambry Genetics
Classification: Likely benign for Hereditary cancer-predisposing syndrome. Last evaluated: 2024-02-26. Review status: criteria provided, single submitter. Criteria: Ambry Variant Classification Scheme 2023. Collection method: clinical testing. Allele origin: germline.

Fulgent Genetics
Classification: Uncertain significance for Fanconi anemia complementation group O; Breast-ovarian cancer, familial, susceptibility to, 3. Last evaluated: 2024-02-21. Review status: criteria provided, single submitter. Criteria: ACMG Guidelines, 2015. Collection method: clinical testing. Allele origin: germline.

Baylor Genetics
Classification: Uncertain significance for Breast-ovarian cancer, familial, susceptibility to, 3. Last evaluated: 2023-09-28. Review status: criteria provided, single submitter. Criteria: ACMG Guidelines, 2015. Collection method: clinical testing. Allele origin: unknown.

Blueprint Genetics
Classification: Uncertain significance. Last evaluated: 2023-08-08. Review status: criteria provided, single submitter. Criteria: ACMG Guidelines, 2015. Collection method: clinical testing. Allele origin: germline.

Women's Health and Genetics/Laboratory Corporation of America, LabCorp
Classification: Uncertain significance. Last evaluated: 2021-02-26. Review status: criteria provided, single submitter. Criteria: LabCorp Variant Classification Summary - May 2015. Collection method: clinical testing. Allele origin: germline.
Comment: Variant summary: RAD51C c.960G>C (p.Lys320Asn) results in a non-conservative amino acid change located in the DNA recombination and repair protein Rad51-like, C-terminal domain (IPR013632) of the encoded protein sequence. Three of five in-silico tools predict a benign effect of the variant on protein function. The variant was absent in 251264 control chromosomes. The available data on variant occurrences in the general population are insufficient to allow any conclusion about variant significance. To our knowledge, no occurrence of c.960G>C in individuals affected with Hereditary Breast And Ovarian Cancer Syndrome and no experimental evidence demonstrating its impact on protein function have been reported. Three clinical diagnostic laboratories have submitted clinical-significance assessments for this variant to ClinVar after 2014 without evidence for independent evaluation. All laboratories classified the variant as uncertain significance. Based on the evidence outlined above, the variant was classified as uncertain significance.

Department of Pathology and Laboratory Medicine, Sinai Health System
Classification: Uncertain significance for Breast-ovarian cancer, familial, susceptibility to, 3. Last evaluated: 2020-09-29. Review status: criteria provided, single submitter. Criteria: ACMG Guidelines, 2015. Collection method: clinical testing. Allele origin: germline. Affected: yes.

NM_058216.3(RAD51C):c.960G>C (p.Lys320Asn)

Gene: RAD51C (RAD51 paralog C; plus strand). Cytogenetic location: 17q22.
Variant type: single nucleotide variant.
Coding change: c.960G>C on transcript NM_058216.3 (MANE Select); coding-DNA position 960, G replaced by C.
Protein change: p.Lys320Asn; replaces lysine 320 with asparagine.
Molecular consequence: missense variant. On other transcripts: non-coding transcript variant (1).
Genome position (GRCh38, 1-based): chr17:58,724,095, G>C. VCF-style: chr17-58724095-G-C. GRCh37 (hg19) VCF-style: chr17-56801456-G-C.
Other names: short protein forms K320N.
Identifiers: ClinVar variation 220140 (VCV000220140.24), dbSNP rs864622395, ClinGen allele CA348863.